The following is an entry in ClinVar:

NM_001330078.2(NRXN1):c.3809-49T>C

Gene: NRXN1 (neurexin 1; minus strand). Cytogenetic location: 2p16.3.
Variant type: single nucleotide variant.
Coding change: c.3809-49T>C on transcript NM_001330078.2 (MANE Select); 49 bases into the intron before coding-DNA position 3809, T replaced by C.
Molecular consequence: intron variant.
Genome position (GRCh38, 1-based): chr2:50,053,639, A>G on the plus strand (T>C on the coding strand, the complement: NRXN1 is on the minus strand). VCF-style: chr2-50053639-A-G. GRCh37 (hg19) VCF-style: chr2-50280777-A-G.
Other names: c.3608-49T>C (NM_001330096.2, NM_001330087.2); c.3653-49T>C (NM_001330083.2); c.3743-49T>C (NM_001330084.2); c.3638-49T>C (NM_001330088.2); c.3806-49T>C (NM_001330093.2); c.3797-49T>C (NM_001330094.2); c.3668-49T>C (NM_001330095.2); c.3785-49T>C (NM_001330082.2, NM_001330077.2); and 6 more.
Identifiers: ClinVar variation 673180 (VCV000673180.2), dbSNP rs115881283, ClinGen allele CA1654357.
Genomic context (GRCh38, chr2:50,053,639, plus strand): 5'-TGAGCTGACGCCCTGTAAAAATAATATTACATACATGCAAAAATGTTGATTGTGAACTCT[A>G]TATCTACAATGGATGATAAAACAGATCTTTTATGGGGTGAATAATGAGAGCAATAAACTA-3'

ClinVar aggregate classification (germline): Likely benign. Review status: criteria provided, multiple submitters, no conflicts (2 of 4 stars). 2 submissions from 2 submitters: Likely benign (2). Last evaluated 2018-06-19.

Allele frequency attached by ClinVar (database versions not stated): gnomAD exomes 0.00090 and 0.00233; ExAC 0.00291; gnomAD 0.00904 and 0.00968; 1000 Genomes Project 0.00919; 1000 Genomes Project 30x 0.00937; ESP Exome Variant Server 0.00938; TOPMed 0.01011.
gnomAD v4.1: 2,693 of 1,553,482 alleles (0.17%); highest among the groups gnomAD compares: African/African-American, 3.2%; 40 homozygotes.

Submissions (2):

GeneDx
Classification: Likely benign. Last evaluated: 2018-06-19. Review status: criteria provided, single submitter. Criteria: GeneDx Variant Classification (06012015). Collection method: clinical testing. Allele origin: germline. Affected: yes.
Comment: This variant is considered likely benign or benign based on one or more of the following criteria: it is a conservative change, it occurs at a poorly conserved position in the protein, it is predicted to be benign by multiple in silico algorithms, and/or has population frequency not consistent with disease.

Breakthrough Genomics
Classification: Likely benign. Review status: criteria provided, single submitter. Criteria: ACMG Guidelines, 2015. Collection method: not provided. Allele origin: germline. Inheritance: Autosomal recessive inheritance. Affected: yes.